The following is an entry in ClinVar:

ClinVar aggregate classification (germline): Uncertain significance (1 of 4 stars; one submission).

Conditions:
RYR1-related disorder. Also called: RYR1-related condition; RYR1-related disorders. Identifiers: MedGen CN239331.

Submission:

Labcorp Genetics (formerly Invitae), Labcorp
Classification: Uncertain significance for RYR1-related disorder. Last evaluated: 2021-07-13. Review status: criteria provided, single submitter. Criteria: Invitae Variant Classification Sherloc (09022015). Collection method: clinical testing. Allele origin: germline.
Comment: In summary, the available evidence is currently insufficient to determine the role of this variant in disease. Therefore, it has been classified as a Variant of Uncertain Significance. This sequence change falls in intron 48 of the RYR1 gene. It does not directly change the encoded amino acid sequence of the RYR1 protein, but it affects a nucleotide within the consensus splice site of the intron. This variant is present in population databases (rs768070268, ExAC 0.001335%). This variant has not been reported in the literature in individuals with RYR1-related disease. Nucleotide substitutions within the consensus splice site are a relatively common cause of aberrant splicing (PMID: 17576681, 9536098). Algorithms developed to predict the effect of sequence changes on RNA splicing suggest that this variant is not likely to affect RNA splicing, but this prediction has not been confirmed by published transcriptional studies.

Literature cited by the submitters: PubMed 17576681; PubMed 9536098.

NM_000540.3(RYR1):c.7835+6_7835+36delinsAGC

Gene: RYR1 (ryanodine receptor 1; plus strand). Cytogenetic location: 19q13.2.
Variant type: Indel.
Coding change: c.7835+6_7835+36delinsAGC on transcript NM_000540.3 (MANE Select); bases 6 to 36 of the intron after coding-DNA position 7835, the reference bases replaced by AGC.
Molecular consequence: intron variant.
Genome position (GRCh38, 1-based): chr19:38,502,733-38,502,763, 31 bases replaced. GRCh37 (hg19): chr19:38,993,373-38,993,403.
Other names: c.7835+6_7835+36delinsAGC (NM_001042723.2).
Identifiers: ClinVar variation 478278 (VCV000478278.6), dbSNP rs1555784450, ClinGen allele CA658658809.
Genomic context (GRCh38, chr19:38,502,733, plus strand): 5'-CGCTCACCAAGGCGCAGCGTGACGTCATCGAGGACTGCCTCATGTCGCTCTGCAGGTGGA[GCGGGGCAGGCTTCAGGGTGGGGCAGGGGCA>AGC]GGGGCAGGGGCAGGGGCAGGGGCAGGGGCAGGGGCAGGGGCAGGGGGAGGAGCAGGGGCA-3'